The following is an entry in ClinVar:

NM_001364171.2(ODAD1):c.247C>T (p.Arg83Trp)

Gene: ODAD1 (outer dynein arm docking complex subunit 1; minus strand). Cytogenetic location: 19q13.33.
Variant type: single nucleotide variant.
Coding change: c.247C>T on transcript NM_001364171.2 (MANE Select); coding-DNA position 247, C replaced by T.
Protein change: p.Arg83Trp; replaces arginine 83 with tryptophan.
Molecular consequence: missense variant.
Genome position (GRCh38, 1-based): chr19:48,318,500, G>A on the plus strand (C>T on the coding strand, the complement: ODAD1 is on the minus strand). VCF-style: chr19-48318500-G-A. GRCh37 (hg19) VCF-style: chr19-48821757-G-A.
Other names: p.Arg46Trp; c.136C>T, p.Arg46Trp (NM_144577.4); short protein forms R46W, R83W.
Identifiers: ClinVar variation 262487 (VCV000262487.25), dbSNP rs16981988, ClinGen allele CA9549075.

ClinVar aggregate classification (germline): Benign/Likely benign. Review status: criteria provided, multiple submitters, no conflicts (2 of 4 stars). 8 submissions from 8 submitters: Benign (5); Likely benign (3). Last evaluated 2026-02-02.

Conditions:
Primary ciliary dyskinesia 20. Also called: CILIARY DYSKINESIA, PRIMARY, 20, WITH OR WITHOUT SITUS INVERSUS. Identifiers: Orphanet 244, MedGen C3540844, MONDO:0014030, OMIM 615067.
Primary ciliary dyskinesia. Also called: Ciliary dyskinesia. Identifiers: Orphanet 244, MedGen C0008780, MONDO:0016575, HP:0012265.

Allele frequency attached by ClinVar (database versions not stated): gnomAD exomes 0.02457 and 0.02580; 1000 Genomes Project 30x 0.03061; gnomAD 0.03121 and 0.03160; 1000 Genomes Project 0.03195; TOPMed 0.03360; ESP Exome Variant Server 0.03373; ExAC 0.03536.

Submissions (8):

Labcorp Genetics (formerly Invitae), Labcorp
Classification: Benign for Primary ciliary dyskinesia. Last evaluated: 2026-02-02. Review status: criteria provided, single submitter. Criteria: Invitae Variant Classification Sherloc (09022015). Collection method: clinical testing. Allele origin: germline.

ARUP Laboratories, Molecular Genetics and Genomics, ARUP Laboratories
Classification: Benign for Primary ciliary dyskinesia 20. Last evaluated: 2025-05-29. Review status: criteria provided, single submitter. Criteria: ARUP Molecular Germline Variant Investigation Process 2024. Collection method: clinical testing. Allele origin: germline.

Blueprint Genetics
Classification: Likely benign. Last evaluated: 2024-11-27. Review status: criteria provided, single submitter. Criteria: ACMG Guidelines, 2015. Collection method: clinical testing. Allele origin: germline.

Mayo Clinic Laboratories, Mayo Clinic
Classification: Benign. Last evaluated: 2023-06-07. Review status: criteria provided, single submitter. Criteria: ACMG Guidelines, 2015. Collection method: clinical testing. Allele origin: germline. Observed: 10 variant alleles.
Comment: BA1, BP4

GeneDx
Classification: Likely benign. Last evaluated: 2022-05-10. Review status: criteria provided, single submitter. Criteria: GeneDx Variant Classification Process June 2021. Collection method: clinical testing. Allele origin: germline. Affected: yes.
Comment: See Variant Classification Assertion Criteria.

Ambry Genetics
Classification: Benign for Primary ciliary dyskinesia. Last evaluated: 2016-07-08. Review status: criteria provided, single submitter. Criteria: Ambry Variant Classification Scheme 2023. Collection method: clinical testing. Allele origin: germline.

Breakthrough Genomics
Classification: Likely benign. Review status: criteria provided, single submitter. Criteria: ACMG Guidelines, 2015. Collection method: not provided. Allele origin: germline. Inheritance: Autosomal recessive inheritance. Affected: yes.

PreventionGenetics, part of Exact Sciences
Classification: Benign. Review status: criteria provided, single submitter. Criteria: ACMG Guidelines, 2015. Collection method: clinical testing. Allele origin: germline.